The following is an entry in ClinVar:

NM_001353214.3(DYM):c.1424G>A (p.Arg475His)

Gene: DYM (dymeclin; minus strand). Cytogenetic location: 18q21.1.
Variant type: single nucleotide variant.
Coding change: c.1424G>A on transcript NM_001353214.3 (MANE Select); coding-DNA position 1424, G replaced by A.
Protein change: p.Arg475His; replaces arginine 475 with histidine.
Molecular consequence: missense variant.
Genome position (GRCh38, 1-based): chr18:49,257,046, C>T on the plus strand (G>A on the coding strand, the complement: DYM is on the minus strand). VCF-style: chr18-49257046-C-T. GRCh37 (hg19) VCF-style: chr18-46783416-C-T.
Other names: c.1424G>A (NM_017653.3); c.1421G>A, p.Arg474His (NM_001353210.3, NM_001353211.3, NM_001353212.3 and 3 more transcripts); c.1424G>A, p.Arg475His (NM_001353215.3, NM_001353216.3, NM_001374428.1 and 5 more transcripts); c.1418G>A, p.Arg473His (NM_001374429.1, NM_001374439.1); c.1298G>A, p.Arg433His (NM_001374432.1, NM_001374436.1); c.1241G>A, p.Arg414His (NM_001374437.1); c.1196G>A, p.Arg399His (NM_001374440.1); c.854G>A, p.Arg285His (NM_001374441.1, NM_001374442.1, NM_001374444.1); and 1 more; short protein forms R474H, R284H, R285H, R414H, R473H, R399H, R433H, R475H.
Identifiers: ClinVar variation 1411362 (VCV001411362.8), dbSNP rs377383617, ClinGen allele CA8958088.
Genomic context (GRCh38, chr18:49,257,046, plus strand): 5'-ATTTCTTTTAAAGTTCATATTTACCTGATGATCCTCTGGGCAGCATACTGATGGAGAGAA[C>T]GAAACTGTGCCGACATATTTGCTAAAGCTGCCAAACAATTTGTGTGAAGGTACTTGTCCT-3'
Protein context (NP_001340143.1, residues 465-485): AALANMSAQF[Arg475His]SLHQYAAQRI

ClinVar aggregate classification (germline): Uncertain significance. Review status: criteria provided, multiple submitters, no conflicts (2 of 4 stars). 2 submissions from 2 submitters: Uncertain significance (2). Last evaluated 2024-11-11.

Conditions:
Inborn genetic diseases. Identifiers: MedGen C0950123, MeSH D030342.

Allele frequency attached by ClinVar (database versions not stated): ExAC 0.00002; gnomAD exomes 0.00002; TOPMed 0.00004; ESP Exome Variant Server 0.00008; gnomAD 0.00010; 1000 Genomes Project 30x 0.00016; 1000 Genomes Project 0.00020.
gnomAD v4.1: 57 of 1,613,904 alleles (0.0035%); highest among the groups gnomAD compares: African/African-American, 0.008%; no homozygotes.

Submissions (2):

Ambry Genetics
Classification: Uncertain significance for Inborn genetic diseases. Last evaluated: 2024-11-11. Review status: criteria provided, single submitter. Criteria: Ambry Variant Classification Scheme 2023. Collection method: clinical testing. Allele origin: germline.

Labcorp Genetics (formerly Invitae), Labcorp
Classification: Uncertain significance. Last evaluated: 2023-05-15. Review status: criteria provided, single submitter. Criteria: Invitae Variant Classification Sherloc (09022015). Collection method: clinical testing. Allele origin: germline.
Comment: This sequence change replaces arginine, which is basic and polar, with histidine, which is basic and polar, at codon 475 of the DYM protein (p.Arg475His). In summary, the available evidence is currently insufficient to determine the role of this variant in disease. Therefore, it has been classified as a Variant of Uncertain Significance. Advanced modeling of protein sequence and biophysical properties (such as structural, functional, and spatial information, amino acid conservation, physicochemical variation, residue mobility, and thermodynamic stability) performed at Invitae indicates that this missense variant is not expected to disrupt DYM protein function. ClinVar contains an entry for this variant (Variation ID: 1411362). This variant has not been reported in the literature in individuals affected with DYM-related conditions. This variant is present in population databases (rs377383617, gnomAD 0.01%).